The following is an entry in ClinVar:

NM_015021.3(ZNF292):c.3064G>C (p.Glu1022Gln)

Gene: ZNF292 (zinc finger protein 292; plus strand). Cytogenetic location: 6q14.3.
Variant type: single nucleotide variant.
Coding change: c.3064G>C on transcript NM_015021.3 (MANE Select); coding-DNA position 3064, G replaced by C.
Protein change: p.Glu1022Gln; replaces glutamic acid 1022 with glutamine.
Molecular consequence: missense variant.
Genome position (GRCh38, 1-based): chr6:87,256,693, G>C. VCF-style: chr6-87256693-G-C. GRCh37 (hg19) VCF-style: chr6-87966411-G-C.
Other names: c.2644G>C, p.Glu882Gln (NM_001351444.2); short protein forms E1022Q, E882Q.
Identifiers: ClinVar variation 1805349 (VCV001805349.1), dbSNP rs2482308563, ClinGen allele CA364920027.

ClinVar aggregate classification (germline): Uncertain significance (1 of 4 stars; one submission).

Conditions:
Intellectual developmental disorder, autosomal dominant 64. Also called: MENTAL RETARDATION, AUTOSOMAL DOMINANT 64. Identifiers: MedGen C5543067, MONDO:0030934, OMIM 619188.

Allele frequency attached by ClinVar (database versions not stated): gnomAD exomes below 0.00001.
gnomAD v4.1: 1 of 1,613,196 alleles (0.000062%); highest among the groups gnomAD compares: East Asian, 0.0022%; no homozygotes.

Submission:

Victorian Clinical Genetics Services, Murdoch Childrens Research Institute
Classification: Uncertain significance for Intellectual developmental disorder, autosomal dominant 64. Last evaluated: 2021-05-06. Review status: criteria provided, single submitter. Criteria: ACMG Guidelines, 2015. Collection method: clinical testing. Allele origin: germline. Inheritance: Autosomal dominant inheritance.
Comment: Based on the classification scheme VCGS_Germline_v1.3.4, this variant is classified as VUS-3B. Following criteria are met: 0105 - The mechanism of disease for this gene is not clearly established. (I) 0107 - This gene is associated with autosomal dominant disease. (I) 0200 - Variant is predicted to result in a missense amino acid change from glutamic acid to glutamine. (I) 0251 - This variant is heterozygous. (I) 0301 - Variant is absent from gnomAD (both v2 and v3). (SP) 0309 - An alternative amino acid change at the same position has been observed in gnomAD (v2) (p.(Glu1022Asp): 3 heterozygotes, 0 homozygotes). (I) 0502 - Missense variant with conflicting in silico predictions and uninformative conservation. (I) 0604 - Variant is not located in an established domain, motif, hotspot or informative constraint region. (I) 0705 - No comparable missense variants have previous evidence for pathogenicity. (I) 0807 - This variant has no previous evidence of pathogenicity. (I) 0905 - No published segregation evidence has been identified for this variant. (I) 1007 - No published functional evidence has been identified for this variant. (I) 1208 - Inheritance information for this variant is not currently available in this individual. (I) Legend: (SP) - Supporting pathogenic, (I) - Information, (SB) - Supporting benign